The following is an entry in ClinVar:

NM_001278512.2(AP3B2):c.1636G>C (p.Ala546Pro)

Genes: AP3B2 (adaptor related protein complex 3 subunit beta 2; minus strand), CPEB1-AS1 (CPEB1 antisense RNA 1; plus strand). Cytogenetic location: 15q25.2.
Variant type: single nucleotide variant.
Coding change: c.1636G>C on transcript NM_001278512.2 (MANE Select); coding-DNA position 1636, G replaced by C.
Protein change: p.Ala546Pro; replaces alanine 546 with proline.
Molecular consequence: missense variant.
Genome position (GRCh38, 1-based): chr15:82,676,490, C>G on the plus strand (G>C on the coding strand, the complement: AP3B2 is on the minus strand). VCF-style: chr15-82676490-C-G. GRCh37 (hg19) VCF-style: chr15-83345242-C-G.
Other names: c.1540G>C, p.Ala514Pro (NM_001278511.2); c.1636G>C, p.Ala546Pro (NM_004644.5); short protein forms A514P, A546P.
Identifiers: ClinVar variation 1034105 (VCV001034105.6), dbSNP rs775126490, ClinGen allele CA7700166.

ClinVar aggregate classification (germline): Uncertain significance. Review status: criteria provided, multiple submitters, no conflicts (2 of 4 stars). 2 submissions from 2 submitters: Uncertain significance (2). Last evaluated 2022-03-18.

Conditions:
Developmental and epileptic encephalopathy, 48 (DEE48). Also called: Epileptic encephalopathy, early infantile, 48. Identifiers: MedGen C4310637, MONDO:0015000, OMIM 617276.

Allele frequency attached by ClinVar (database versions not stated): gnomAD exomes 0.00001 and 0.00003; ExAC 0.00005.
gnomAD v4.1: 7 of 1,614,000 alleles (0.00043%); highest among the groups gnomAD compares: Admixed American, 0.012%; no homozygotes.

Submissions (2):

Labcorp Genetics (formerly Invitae), Labcorp
Classification: Uncertain significance. Last evaluated: 2022-03-18. Review status: criteria provided, single submitter. Criteria: Invitae Variant Classification Sherloc (09022015). Collection method: clinical testing. Allele origin: germline.
Comment: This sequence change replaces alanine, which is neutral and non-polar, with proline, which is neutral and non-polar, at codon 546 of the AP3B2 protein (p.Ala546Pro). This variant is present in population databases (rs775126490, gnomAD 0.02%). This variant has not been reported in the literature in individuals affected with AP3B2-related conditions. ClinVar contains an entry for this variant (Variation ID: 1034105). Algorithms developed to predict the effect of missense changes on protein structure and function (SIFT, PolyPhen-2, Align-GVGD) all suggest that this variant is likely to be tolerated. In summary, the available evidence is currently insufficient to determine the role of this variant in disease. Therefore, it has been classified as a Variant of Uncertain Significance.

Baylor Genetics
Classification: Uncertain significance for Developmental and epileptic encephalopathy, 48. Last evaluated: 2018-05-25. Review status: criteria provided, single submitter. Criteria: ACMG Guidelines, 2015. Collection method: clinical testing. Allele origin: maternal. Affected: yes.
Comment: This variant was determined to be of uncertain significance according to ACMG Guidelines, 2015 [PMID:25741868].